The following is an entry in ClinVar:

ClinVar aggregate classification (germline): Uncertain significance. Review status: criteria provided, multiple submitters, no conflicts (2 of 4 stars). 2 submissions from 2 submitters: Uncertain significance (2). Last evaluated 2022-05-06.

Allele frequency attached by ClinVar (database versions not stated): TOPMed 0.00001.

Submissions (2):

Labcorp Genetics (formerly Invitae), Labcorp
Classification: Uncertain significance. Last evaluated: 2022-05-06. Review status: criteria provided, single submitter. Criteria: Invitae Variant Classification Sherloc (09022015). Collection method: clinical testing. Allele origin: germline.
Comment: In summary, the available evidence is currently insufficient to determine the role of this variant in disease. Therefore, it has been classified as a Variant of Uncertain Significance. Algorithms developed to predict the effect of missense changes on protein structure and function are either unavailable or do not agree on the potential impact of this missense change (SIFT: "Deleterious"; PolyPhen-2: "Possibly Damaging"; Align-GVGD: "Class C0"). This variant has not been reported in the literature in individuals affected with SON-related conditions. This variant is not present in population databases (gnomAD no frequency). This sequence change replaces glutamic acid, which is acidic and polar, with lysine, which is basic and polar, at codon 1730 of the SON protein (p.Glu1730Lys).

Breakthrough Genomics
Classification: Uncertain significance. Review status: criteria provided, single submitter. Criteria: ACMG Guidelines, 2015. Collection method: not provided. Allele origin: germline. Inheritance: Autosomal dominant inheritance. Affected: yes.

NM_138927.4(SON):c.5188G>A (p.Glu1730Lys)

Gene: SON (SON DNA and RNA binding protein; plus strand). Cytogenetic location: 21q22.11.
Variant type: single nucleotide variant.
Coding change: c.5188G>A on transcript NM_138927.4 (MANE Select); coding-DNA position 5188, G replaced by A.
Protein change: p.Glu1730Lys; replaces glutamic acid 1730 with lysine.
Molecular consequence: missense variant. On other transcripts: non-coding transcript variant (1), intron variant (1).
Genome position (GRCh38, 1-based): chr21:33,554,419, G>A. VCF-style: chr21-33554419-G-A. GRCh37 (hg19) VCF-style: chr21-34926725-G-A.
Other names: c.5188G>A, p.Glu1730Lys (NM_001291411.2, NM_001412133.1, NM_032195.3 and 2 more transcripts); c.245-2737G>A (NM_001291412.3); short protein forms E1730K.
Identifiers: ClinVar variation 2105349 (VCV002105349.5), dbSNP rs1342664626, ClinGen allele CA410164248.